The following is an entry in ClinVar:

NM_005477.3(HCN4):c.176C>G (p.Ser59Trp)

Gene: HCN4 (hyperpolarization activated cyclic nucleotide gated potassium channel 4; minus strand). Cytogenetic location: 15q24.1.
Variant type: single nucleotide variant.
Coding change: c.176C>G on transcript NM_005477.3 (MANE Select); coding-DNA position 176, C replaced by G.
Protein change: p.Ser59Trp; replaces serine 59 with tryptophan.
Molecular consequence: missense variant.
Genome position (GRCh38, 1-based): chr15:73,368,095, G>C on the plus strand (C>G on the coding strand, the complement: HCN4 is on the minus strand). VCF-style: chr15-73368095-G-C. GRCh37 (hg19) VCF-style: chr15-73660436-G-C.
Other names: short protein forms S59W.
Identifiers: ClinVar variation 4698660 (VCV004698660.1).
Genomic context (GRCh38, chr15:73,368,095, plus strand): 5'-CCTTCGCTGTCCGCTGCCCCGAGGGCCGAGCTCCGGGACTCCGTGCCACCCGCGGCCGCC[G>C]AGGGGGAGGGCGAGGGCAGTGGCCGCAGCCGGATGCTCCTGCGGCTGGGGTCTTGGCGGC-3'
Protein context (NP_005468.1, residues 49-69): RLRPLPSPSP[Ser59Trp]AAAGGTESRS

ClinVar aggregate classification (germline): Uncertain significance (1 of 4 stars; one submission).

Conditions:
Brugada syndrome 8 (BRGDA8). Identifiers: Orphanet 130, MedGen C2751083, MONDO:0013148, OMIM 613123.

Submission:

Labcorp Genetics (formerly Invitae), Labcorp
Classification: Uncertain significance for Brugada syndrome 8. Last evaluated: 2025-02-11. Review status: criteria provided, single submitter. Criteria: Invitae Variant Classification Sherloc (09022015). Collection method: clinical testing. Allele origin: germline.
Comment: This sequence change replaces serine, which is neutral and polar, with tryptophan, which is neutral and slightly polar, at codon 59 of the HCN4 protein (p.Ser59Trp). This variant is not present in population databases (gnomAD no frequency). This variant has not been reported in the literature in individuals affected with HCN4-related conditions. Invitae Evidence Modeling of protein sequence and biophysical properties (such as structural, functional, and spatial information, amino acid conservation, physicochemical variation, residue mobility, and thermodynamic stability) indicates that this missense variant is not expected to disrupt HCN4 protein function with a negative predictive value of 95%. In summary, the available evidence is currently insufficient to determine the role of this variant in disease. Therefore, it has been classified as a Variant of Uncertain Significance.